The following is an entry in ClinVar:

NM_000368.5(TSC1):c.3195G>A (p.Thr1065=)

Gene: TSC1 (TSC complex subunit 1; minus strand). Cytogenetic location: 9q34.13.
Variant type: single nucleotide variant.
Coding change: c.3195G>A on transcript NM_000368.5 (MANE Select); coding-DNA position 3195, G replaced by A.
Protein change: p.Thr1065=; no amino-acid change (threonine 1065 retained).
Molecular consequence: synonymous variant.
Genome position (GRCh38, 1-based): chr9:132,896,535, C>T on the plus strand (G>A on the coding strand, the complement: TSC1 is on the minus strand). VCF-style: chr9-132896535-C-T. GRCh37 (hg19) VCF-style: chr9-135771922-C-T.
Other names: p.T1065T:ACG>ACA; c.3192G>A, p.Thr1064= (NM_001162426.2); c.3042G>A, p.Thr1014= (NM_001162427.2); c.2832G>A, p.Thr944= (NM_001362177.2).
Identifiers: ClinVar variation 49016 (VCV000049016.20), dbSNP rs118203746, ClinGen allele CA007227.

ClinVar aggregate classification (germline): Benign/Likely benign. Review status: criteria provided, multiple submitters, no conflicts (2 of 4 stars). 10 submissions from 10 submitters: Benign (4); Likely benign (4). 2 of the submissions do not count toward it. Last evaluated 2026-02-02.

Conditions:
Lymphangiomyomatosis (LAM). Also called: Lymphangioleiomyomatosis; Lymphangioleiomyomatosis, somatic. Identifiers: Orphanet 538, MedGen C0751674, MONDO:0011705, OMIM 606690.
Tuberous sclerosis syndrome (TSC). Also called: Tuberous Sclerosis Complex; Tuberous sclerosis. Identifiers: Orphanet 805, MedGen C0041341, MONDO:0001734.
TSC1-related disorder. Also called: TSC1-related condition.
Hereditary cancer-predisposing syndrome. Also called: Neoplastic Syndromes, Hereditary; Tumor predisposition; Hereditary Cancer Syndrome; Hereditary neoplastic syndrome. Identifiers: Orphanet 140162, MedGen C0027672, MeSH D009386, MONDO:0015356.
Tuberous sclerosis 1 (TSC1). Identifiers: Orphanet 805, MedGen C1854465, MONDO:0008612, OMIM 191100.

Allele frequency attached by ClinVar (database versions not stated): gnomAD exomes 0.00001; gnomAD 0.00002; TOPMed 0.00003.
gnomAD v4.1: 17 of 1,614,074 alleles (0.0011%); highest among the groups gnomAD compares: Middle Eastern, 0.016%; no homozygotes.

Submissions (10):

Labcorp Genetics (formerly Invitae), Labcorp
Classification: Benign for Tuberous sclerosis 1. Last evaluated: 2026-02-02. Review status: criteria provided, single submitter. Criteria: Invitae Variant Classification Sherloc (09022015). Collection method: clinical testing. Allele origin: germline.

Myriad Genetics, Inc.
Classification: Benign for Tuberous sclerosis 1. Last evaluated: 2025-04-30. Review status: criteria provided, single submitter. Criteria: Myriad Autosomal Dominant, Autosomal Recessive and X-Linked Classification Criteria (2023). Collection method: clinical testing. Allele origin: unknown.
Comment: This variant is considered benign. This variant is a silent/synonymous amino acid change and it is not expected to impact splicing.

All of Us Research Program, National Institutes of Health
Classification: Likely benign for Tuberous sclerosis syndrome. Last evaluated: 2023-11-30. Review status: criteria provided, single submitter. Criteria: ACMG Guidelines, 2015. Collection method: clinical testing. Allele origin: germline. Inheritance: Autosomal dominant inheritance. Observed: 7 variant alleles, 7 heterozygotes.
Comment: This study involves interpretation of variants in research participants for the purpose of population health screening. Participant phenotype was not available at the time of variant classification. Additional details can be found in publication PMID: 35346344, PMCID: PMC8962531

Color Diagnostics, LLC DBA Color Health
Classification: Likely benign for Tuberous sclerosis syndrome. Last evaluated: 2022-11-06. Review status: criteria provided, single submitter. Criteria: ACMG Guidelines, 2015. Collection method: clinical testing. Allele origin: germline.

Genome-Nilou Lab
Classification: Benign for Tuberous sclerosis 1. Last evaluated: 2021-11-07. Review status: criteria provided, single submitter. Criteria: ACMG Guidelines, 2015. Collection method: clinical testing. Allele origin: germline. Affected: no.

Sema4
Classification: Likely benign for Hereditary cancer-predisposing syndrome. Last evaluated: 2021-11-03. Review status: criteria provided, single submitter. Criteria: Sema4 Curation Guidelines. Collection method: curation. Allele origin: germline.

Ambry Genetics
Classification: Likely benign for Hereditary cancer-predisposing syndrome. Last evaluated: 2020-08-17. Review status: criteria provided, single submitter. Criteria: Ambry Variant Classification Scheme 2023. Collection method: clinical testing. Allele origin: germline.

GeneDx
Classification: Benign. Last evaluated: 2014-07-31. Review status: criteria provided, single submitter. Criteria: GeneDx Variant Classification (06012015). Collection method: clinical testing. Allele origin: germline. Affected: yes.
Comment: This variant is considered likely benign or benign based on one or more of the following criteria: it is a conservative change, it occurs at a poorly conserved position in the protein, it is predicted to be benign by multiple in silico algorithms, and/or has population frequency not consistent with disease.

PreventionGenetics, part of Exact Sciences
Classification: Likely benign for TSC1-related condition. Last evaluated: 2023-04-11. Review status: no assertion criteria provided. Collection method: clinical testing. Allele origin: germline. Not counted in ClinVar's aggregate classification.
Comment: This variant is classified as likely benign based on ACMG/AMP sequence variant interpretation guidelines (Richards et al. 2015 PMID: 25741868, with internal and published modifications).

Tuberous sclerosis database (TSC1)
No classification provided. Condition: TSC; LAM. Review status: no classification provided. Criteria: Tuberous Sclerosis Database Assertion Criteria 2015. Collection method: curation. Allele origin: germline. Affected: yes. Not counted in ClinVar's aggregate classification.